The following is an entry in ClinVar:

NM_001365276.2(TNXB):c.269G>A (p.Gly90Asp)

Gene: TNXB (tenascin XB; minus strand). Cytogenetic location: 6p21.33.
Variant type: single nucleotide variant.
Coding change: c.269G>A on transcript NM_001365276.2 (MANE Select); coding-DNA position 269, G replaced by A.
Protein change: p.Gly90Asp; replaces glycine 90 with aspartic acid.
Molecular consequence: missense variant.
Genome position (GRCh38, 1-based): chr6:32,097,930, C>T on the plus strand (G>A on the coding strand, the complement: TNXB is on the minus strand). VCF-style: chr6-32097930-C-T. GRCh37 (hg19) VCF-style: chr6-32065707-C-T.
Other names: c.269G>A, p.Gly90Asp (NM_001428335.1, NM_019105.8); short protein forms G90D.
Identifiers: ClinVar variation 3972008 (VCV003972008.1).
Genomic context (GRCh38, chr6:32,097,930, plus strand): 5'-AGGATCTCTAGACGGACCCTCAGGGCCTGTACCTCTGAAGCAAGGACTGGGGGCTCGGTG[C>T]CTGGGGGACAGCCACAGCCAGTGGAAGGGGGCAGGTTAATGCGGTGGGTGAATACCACCT-3'
Protein context (NP_001352205.1, residues 80-100): PPSTGCGCPP[Gly90Asp]TEPPVLASEV

ClinVar aggregate classification (germline): Uncertain significance (1 of 4 stars; one submission).

Conditions:
Cardiovascular phenotype. Identifiers: MedGen CN230736.

Submission:

Ambry Genetics
Classification: Uncertain significance for Cardiovascular phenotype. Last evaluated: 2025-04-30. Review status: criteria provided, single submitter. Criteria: Ambry Variant Classification Scheme 2023. Collection method: clinical testing. Allele origin: germline.
Comment: The p.G90D variant (also known as c.269G>A), located in coding exon 1 of the TNXB gene, results from a G to A substitution at nucleotide position 269. The glycine at codon 90 is replaced by aspartic acid, an amino acid with similar properties. This amino acid position is conserved. In addition, the in silico prediction for this alteration is inconclusive. Based on the available evidence, the clinical significance of this variant remains unclear.